The following is an entry in ClinVar:

NM_006734.4(HIVEP2):c.6631T>C (p.Phe2211Leu)

Gene: HIVEP2 (HIVEP zinc finger 2; minus strand). Cytogenetic location: 6q24.2.
Variant type: single nucleotide variant.
Coding change: c.6631T>C on transcript NM_006734.4 (MANE Select); coding-DNA position 6631, T replaced by C.
Protein change: p.Phe2211Leu; replaces phenylalanine 2211 with leucine.
Molecular consequence: missense variant.
Genome position (GRCh38, 1-based): chr6:142,753,817, A>G on the plus strand (T>C on the coding strand, the complement: HIVEP2 is on the minus strand). VCF-style: chr6-142753817-A-G. GRCh37 (hg19) VCF-style: chr6-143074954-A-G.
Other names: short protein forms F2211L.
Identifiers: ClinVar variation 2444599 (VCV002444599.2), dbSNP rs1178642973, ClinGen allele CA365942068.
Genomic context (GRCh38, chr6:142,753,817, plus strand): 5'-CGGGCACCATGGGGATAGGGGCTCGCACTTGTTGCTGAGAGTGGAGTGGAAGATGACTGA[A>G]GACATAGTCATTAGGACCCTCAGGGAAAAGGCTGGAGCCTGGATGTTCATAAGCACCTTC-3'
Protein context (NP_006725.3, residues 2201-2221): LFPEGPNDYV[Phe2211Leu]SHLPLHSQQQ

ClinVar aggregate classification (germline): Uncertain significance. Review status: criteria provided, multiple submitters, no conflicts (2 of 4 stars). 2 submissions from 2 submitters: Uncertain significance (2). Last evaluated 2026-05-20.

Conditions:
Inborn genetic diseases. Identifiers: MedGen C0950123, MeSH D030342.

Allele frequency attached by ClinVar (database versions not stated): gnomAD exomes 0.00001; TOPMed 0.00001; gnomAD 0.00001.
gnomAD v4.1: 10 of 1,613,570 alleles (0.00062%); highest among the groups gnomAD compares: Non-Finnish European, 0.00085%; no homozygotes.

Submissions (2):

Ambry Genetics
Classification: Uncertain significance for Inborn genetic diseases. Last evaluated: 2026-05-20. Review status: criteria provided, single submitter. Criteria: Ambry Variant Classification Scheme 2023. Collection method: clinical testing. Allele origin: germline.

GeneDx
Classification: Uncertain significance. Last evaluated: 2022-09-16. Review status: criteria provided, single submitter. Criteria: GeneDx Variant Classification Process June 2021. Collection method: clinical testing. Allele origin: germline. Affected: yes.
Comment: Not observed at significant frequency in large population cohorts (gnomAD); In silico analysis supports that this missense variant has a deleterious effect on protein structure/function; Has not been previously published as pathogenic or benign to our knowledge